The following is an entry in ClinVar:

ClinVar aggregate classification (germline): Uncertain significance (1 of 4 stars; one submission).

gnomAD v4.1: 41 of 1,601,584 alleles (0.0026%); highest among the groups gnomAD compares: South Asian, 0.043%; no homozygotes.

Submission:

Labcorp Genetics (formerly Invitae), Labcorp
Classification: Uncertain significance. Last evaluated: 2024-02-09. Review status: criteria provided, single submitter. Criteria: Invitae Variant Classification Sherloc (09022015). Collection method: clinical testing. Allele origin: germline.
Comment: This sequence change replaces methionine, which is neutral and non-polar, with isoleucine, which is neutral and non-polar, at codon 276 of the TRIM8 protein (p.Met276Ile). This variant is present in population databases (rs757000874, gnomAD 0.04%), and has an allele count higher than expected for a pathogenic variant. This variant has not been reported in the literature in individuals affected with TRIM8-related conditions. An algorithm developed to predict the effect of missense changes on protein structure and function (PolyPhen-2) suggests that this variant is likely to be tolerated. In summary, the available evidence is currently insufficient to determine the role of this variant in disease. Therefore, it has been classified as a Variant of Uncertain Significance.

NM_030912.3(TRIM8):c.828G>T (p.Met276Ile)

Gene: TRIM8 (tripartite motif containing 8; plus strand). Cytogenetic location: 10q24.32.
Variant type: single nucleotide variant.
Coding change: c.828G>T on transcript NM_030912.3 (MANE Select); coding-DNA position 828, G replaced by T.
Protein change: p.Met276Ile; replaces methionine 276 with isoleucine.
Molecular consequence: missense variant. On other transcripts: non-coding transcript variant (1).
Genome position (GRCh38, 1-based): chr10:102,655,241, G>T. VCF-style: chr10-102655241-G-T. GRCh37 (hg19) VCF-style: chr10-104414998-G-T.
Other names: c.732G>T, p.Met244Ile (NM_001345950.1); short protein forms M244I, M276I.
Identifiers: ClinVar variation 3621297 (VCV003621297.2).